The following is an entry in ClinVar:

NM_152594.3(SPRED1):c.35_41dup (p.Tyr14Ter)

Gene: SPRED1 (sprouty related EVH1 domain containing 1; plus strand). Cytogenetic location: 15q14.
Variant type: Duplication.
Coding change: c.35_41dup on transcript NM_152594.3 (MANE Select); coding-DNA positions 35 to 41, 7 bases duplicated (ATAGTTA; older notation c.35_41dupATAGTTA).
Protein change: p.Tyr14Ter; replaces tyrosine 14 with a stop codon.
Molecular consequence: nonsense.
Genome position (GRCh38, 1-based): chr15:38,299,375-38,299,381, ATAGTTA duplicated; duplicating any 7 consecutive bases within chr15:38,299,373-38,299,381 gives the same sequence; the c. name uses the placement nearest the transcript's 3' end. VCF-style (leftmost placement, unchanged base first): chr15-38299372-G-GTAATAGT. GRCh37 (hg19) VCF-style: chr15-38591573-G-GTAATAGT.
Other names: short protein forms Y14*.
Identifiers: ClinVar variation 3764368 (VCV003764368.1).

ClinVar aggregate classification (germline): Pathogenic (1 of 4 stars; one submission).

Submission:

GeneDx
Classification: Pathogenic. Last evaluated: 2024-08-20. Review status: criteria provided, single submitter. Criteria: GeneDx Variant Classification Process June 2021. Collection method: clinical testing. Allele origin: germline. Affected: yes.
Comment: Has not been previously published as pathogenic or benign to our knowledge; Not observed at significant frequency in large population cohorts (gnomAD); Nonsense variant predicted to result in protein truncation or nonsense mediated decay in a gene for which loss of function is a known mechanism of disease